The following is an entry in ClinVar:

ClinVar aggregate classification (germline): Uncertain significance (1 of 4 stars; one submission).

Submission:

GeneDx
Classification: Uncertain significance. Last evaluated: 2016-12-23. Review status: criteria provided, single submitter. Criteria: GeneDx Variant Classification (06012015). Collection method: clinical testing. Allele origin: germline. Affected: yes.
Comment: The W351G variant in the WNT1 gene has not been reported previously as a pathogenic variant, nor as a benign variant, to our knowledge. Sufficient data from control individuals in the NHLBI Exome Sequencing Project and Exome Aggregation Consortium data sets were not available to assess whether the W351G variant may be a common benign variant in the general population; however, this variant has not been observed at any significant frequency in the internal database at GeneDx. The W351G variant is a semi-conservative amino acid substitution, which may impact secondary protein structure as these residues differ in some properties. This substitution occurs at a position that is conserved across species. In silico analysis predicts this variant is probably damaging to the protein structure/function. We interpret W351G as a variant of uncertain significance.

NM_005430.4(WNT1):c.1051T>G (p.Trp351Gly)

Gene: WNT1 (Wnt family member 1; plus strand). Cytogenetic location: 12q13.12.
Variant type: single nucleotide variant.
Coding change: c.1051T>G on transcript NM_005430.4 (MANE Select); coding-DNA position 1051, T replaced by G.
Protein change: p.Trp351Gly; replaces tryptophan 351 with glycine.
Molecular consequence: missense variant.
Genome position (GRCh38, 1-based): chr12:48,981,578, T>G. VCF-style: chr12-48981578-T-G. GRCh37 (hg19) VCF-style: chr12-49375361-T-G.
Other names: short protein forms W351G.
Identifiers: ClinVar variation 391706 (VCV000391706.2), dbSNP rs1057524201, ClinGen allele CA16607302.